The following is an entry in ClinVar:

NM_002890.3(RASA1):c.2200G>C (p.Glu734Gln)

Genes: CCNH (cyclin H; minus strand), RASA1 (RAS p21 protein activator 1; plus strand). Cytogenetic location: 5q14.3.
Variant type: single nucleotide variant.
Coding change: c.2200G>C on transcript NM_002890.3 (MANE Select); coding-DNA position 2200, G replaced by C.
Protein change: p.Glu734Gln; replaces glutamic acid 734 with glutamine.
Molecular consequence: missense variant. On other transcripts: intron variant (1).
Genome position (GRCh38, 1-based): chr5:87,376,896, G>C. VCF-style: chr5-87376896-G-C. GRCh37 (hg19) VCF-style: chr5-86672713-G-C.
Other names: c.1669G>C, p.Glu557Gln (NM_022650.3); c.933+18148C>G (NM_001364075.2); short protein forms E734Q, E557Q.
Identifiers: ClinVar variation 2727346 (VCV002727346.3), dbSNP rs2531349642, ClinGen allele CA360380066.

ClinVar aggregate classification (germline): Uncertain significance (1 of 4 stars; one submission).

Conditions:
Capillary malformation-arteriovenous malformation syndrome. Also called: Capillary malformation-arteriovenous malformation. Identifiers: Orphanet 137667, MedGen C1842180, MONDO:0012016.

Submission:

Labcorp Genetics (formerly Invitae), Labcorp
Classification: Uncertain significance for Capillary malformation-arteriovenous malformation syndrome. Last evaluated: 2024-12-12. Review status: criteria provided, single submitter. Criteria: Invitae Variant Classification Sherloc (09022015). Collection method: clinical testing. Allele origin: germline.
Comment: This sequence change replaces glutamic acid, which is acidic and polar, with glutamine, which is neutral and polar, at codon 734 of the RASA1 protein (p.Glu734Gln). This variant is not present in population databases (gnomAD no frequency). This variant has not been reported in the literature in individuals affected with RASA1-related conditions. ClinVar contains an entry for this variant (Variation ID: 2727346). An algorithm developed to predict the effect of missense changes on protein structure and function (PolyPhen-2) suggests that this variant is likely to be tolerated. In summary, the available evidence is currently insufficient to determine the role of this variant in disease. Therefore, it has been classified as a Variant of Uncertain Significance.